The following is an entry in ClinVar:

ClinVar aggregate classification (germline): Conflicting classifications of pathogenicity. Review status: criteria provided, conflicting classifications (1 of 4 stars). 10 submissions from 10 submitters: Pathogenic (2); Likely pathogenic (7); Uncertain significance (1). Last evaluated 2026-04-14.

Conditions:
Progressive familial intrahepatic cholestasis (PFIC). Also called: Progressive family intrahepatic cholestasis; Progressive intrahepatic cholestasis. Identifiers: Orphanet 172, MedGen C0268312, MONDO:0015762.
Benign recurrent intrahepatic cholestasis type 2 (BRIC2). Also called: Recurrent familial intrahepatic cholestasis 2. Identifiers: Orphanet 65682, Orphanet 99961, MedGen C2608083, MONDO:0011559, OMIM 605479.
Progressive familial intrahepatic cholestasis type 2. Identifiers: Orphanet 79304, MedGen C3489789, MONDO:0011156, OMIM 601847.
Familial intrahepatic cholestasis. Identifiers: Orphanet 284385, MedGen CN296401, MONDO:0017290.

Allele frequency attached by ClinVar (database versions not stated): TOPMed 0.00001; ESP Exome Variant Server 0.00008.
gnomAD v4.1: 9 of 1,612,778 alleles (0.00056%); highest among the groups gnomAD compares: South Asian, 0.0011%; no homozygotes.

Submissions (10):

Genomenon, Inc
Classification: Likely pathogenic for Familial intrahepatic cholestasis. Last evaluated: 2026-04-14. Review status: criteria provided, single submitter. Criteria: Genomenon Sequence Variant Interpretation Standards - Updated. Collection method: curation. Allele origin: germline. Affected: yes.
Comment: ABCB11 p.Arg832His (c.2495G>A) is a missense variant that changes the amino acid at residue 832 from Arginine to Histidine. This variant has been observed in at least one proband with an ABCB11-related disorder (PMID:37471416;35780807;34278601;32808743;28425419). The variant was found to segregate with disease in at least one affected family (PMID:28425419). It is absent or not present at a significant frequency in gnomAD. In silico models predict that this variant is possibly or probably damaging. In conclusion, we classify ABCB11 p.Arg832His (c.2495G>A) as a likely pathogenic variant.

Broad Center for Mendelian Genomics, Broad Institute of MIT and Harvard
Classification: Likely pathogenic for Progressive familial intrahepatic cholestasis type 2. Last evaluated: 2025-01-24. Review status: criteria provided, single submitter. Criteria: ACMG Guidelines, 2015. Collection method: curation. Allele origin: germline. Inheritance: Autosomal recessive inheritance.
Comment: The p.Arg832His variant in ABCB11 has been reported in six individuals with BSEP deficiency (PMID: 20683201, 28425419, 32808743, 33915153;:10.33612:diss.133430251, HusovaÃÅ et al. 2020), and has been identified in 0.001% (1/91030) of South Asian chromosomes by the Genome Aggregation Database (gnomAD; dbSNP rs376255350). Although this variant has been seen in the general population in a heterozygous state, its frequency is low enough to be consistent with a recessive carrier frequency. This variant has also been reported in ClinVar (Variation ID: 499070) and has been interpreted as a variant of uncertain significance by Eurofins Ntd Llc (ga) and as pathogenic by Invitae. Of the 6 affected individuals, 2 were compound heterozygotes that carried variants of uncertain significance in trans, which increases the likelihood that the p.Arg832His variant is pathogenic (Variation ID: 498679). Computational prediction tools and conservation analyses suggest that this variant may impact the protein, though this information is not predictive enough to determine pathogenicity. One additional pathogenic variant, resulting in a different amino acid change at the same position, p.Arg832Cys, has been reported in association with disease in ClinVar, supporting that a change at this position may not be tolerated (Variation ID: 501603). In summary, although additional studies are required to fully establish its clinical significance, this variant is likely pathogenic for autosomal recessive BSEP deficiency. ACMG/AMP Criteria applied: PM5, PP3_moderate, PM2_supporting, PM3_supporting (Richards 2015).

GeneDx
Classification: Likely pathogenic. Last evaluated: 2024-11-27. Review status: criteria provided, single submitter. Criteria: GeneDx Variant Classification Process June 2021. Collection method: clinical testing. Allele origin: germline. Affected: yes.
Comment: Not observed at significant frequency in large population cohorts (gnomAD); In silico analysis supports that this missense variant has a deleterious effect on protein structure/function; This variant is associated with the following publications: (PMID: 22795478, 34278601, 33201677, 34016879, 33915153, 32808743, Husova2020[CaseReport], 20683201, 28425419)

Natera, Inc.
Classification: Likely pathogenic for Progressive familial intrahepatic cholestasis type 2. Last evaluated: 2024-09-03. Review status: criteria provided, single submitter. Criteria: Natera Variant Classification Schema (03/2026). Collection method: clinical testing. Allele origin: germline.
Comment: The c.2495G>A variant in ABCB11 is a missense variant predicted to cause substitution of arginine to histidine at amino acid 832. This variant is rare in the general population with a frequency below the threshold expected for the associated phenotype(s). This variant has been observed in one or more individuals affected with the associated recessive disease, as either homozygous or compound heterozygous with a second variant (PMID: 5780807, 28425419, 20683201). Additionally, this variant has been observed to segregate in affected family members (PMID: 28425419). A different variant at the same position has been determined to be Pathogenic or Likely Pathogenic. Computational prediction algorithms indicate this variant is likely to affect gene or protein function. Given the available evidence, this variant is classified as Likely Pathogenic.

Labcorp Genetics (formerly Invitae), Labcorp
Classification: Pathogenic. Last evaluated: 2024-06-03. Review status: criteria provided, single submitter. Criteria: Invitae Variant Classification Sherloc (09022015). Collection method: clinical testing. Allele origin: germline.
Comment: This sequence change replaces arginine, which is basic and polar, with histidine, which is basic and polar, at codon 832 of the ABCB11 protein (p.Arg832His). This variant is present in population databases (rs376255350, gnomAD 0.0009%). This missense change has been observed in individual(s) with progressive familial intrahepatic cholestasis (PMID: 28425419). It has also been observed to segregate with disease in related individuals. ClinVar contains an entry for this variant (Variation ID: 499070). Advanced modeling of protein sequence and biophysical properties (such as structural, functional, and spatial information, amino acid conservation, physicochemical variation, residue mobility, and thermodynamic stability) performed at Invitae indicates that this missense variant is expected to disrupt ABCB11 protein function with a positive predictive value of 95%. This variant disrupts the p.Arg832 amino acid residue in ABCB11. Other variant(s) that disrupt this residue have been determined to be pathogenic (PMID: 16641580, 18395098, 27114171, 28733223). This suggests that this residue is clinically significant, and that variants that disrupt this residue are likely to be disease-causing. For these reasons, this variant has been classified as Pathogenic.

Fulgent Genetics
Classification: Likely pathogenic for Progressive familial intrahepatic cholestasis type 2; Benign recurrent intrahepatic cholestasis type 2. Last evaluated: 2024-03-28. Review status: criteria provided, single submitter. Criteria: ACMG Guidelines, 2015. Collection method: clinical testing. Allele origin: germline.

Women's Health and Genetics/Laboratory Corporation of America, LabCorp
Classification: Likely pathogenic for Progressive familial intrahepatic cholestasis. Last evaluated: 2024-03-27. Review status: criteria provided, single submitter. Criteria: LabCorp Variant Classification Summary - May 2015. Collection method: clinical testing. Allele origin: germline.
Comment: Variant summary: ABCB11 c.2495G>A (p.Arg832His) results in a non-conservative amino acid change in the encoded protein sequence. Five of five in-silico tools predict a damaging effect of the variant on protein function. The variant allele was found at a frequency of 4e-06 in 248566 control chromosomes (gnomAD). c.2495G>A has been reported in the literature in individuals affected with progressive familial intrahepatic cholestasis, cholestasis of undefined etiology and transient neonatal cholestasis (examples: Matt_2010, Waisbourd-Zinman_2017, Li_2020, Al-Hussaini_2021, Al-Hussaini_2021, Hertel_2021). A different variant affecting this residue has been classified pathogenic by our lab (c.2494C>T, p.Arg832Cys), suggesting this variant may be clinically significant. These data indicate that the variant may be associated with disease. The following publications have been ascertained in the context of this evaluation (PMID: 33915153, 34016879, 37471416, 20683201, 28425419). ClinVar contains an entry for this variant (Variation ID: 499070). Based on the evidence outlined above, the variant was classified as likely pathogenic.

Baylor Genetics
Classification: Pathogenic for Benign recurrent intrahepatic cholestasis type 2. Last evaluated: 2024-03-12. Review status: criteria provided, single submitter. Criteria: ACMG Guidelines, 2015. Collection method: clinical testing. Allele origin: unknown.

Eurofins Ntd Llc (ga)
Classification: Uncertain significance. Last evaluated: 2016-12-05. Review status: criteria provided, single submitter. Criteria: EGL Classification Definitions 2015. Collection method: clinical testing. Allele origin: germline. Observed: 1 variant allele, 1 heterozygote.

Juno Genomics, Hangzhou Juno Genomics, Inc
Classification: Likely pathogenic for Benign recurrent intrahepatic cholestasis type 2; Progressive familial intrahepatic cholestasis type 2. Review status: criteria provided, single submitter. Criteria: ACMG Guidelines, 2015. Collection method: clinical testing. Allele origin: germline. Affected: yes.
Comment: Absent from controls (or at extremely low frequency if recessive) in Genome Aggregation Database, Exome Sequencing Project, 1000 Genomes Project, or Exome Aggregation Consortium.;Multiple lines of computational evidence support a deleterious effect on the gene or gene product (conservation, evolutionary, splicing impact, etc).;Novel missense change at an amino acid residue where a different missense change determined to be pathogenic has been seen before.;For recessive disorders, detected in trans with a pathogenic variant.;Patient's phenotype or family history is highly specific for a disease with a single genetic etiology.;Co-segregation with disease in multiple affected family members in a gene definitively known to cause the disease.

Literature cited by the submitters: PubMed 37471416 (cited by Genomenon, Inc and Women's Health and Genetics/Laboratory Corporation of America, LabCorp); PubMed 35780807 (cited by Genomenon, Inc); PubMed 34278601 (cited by Genomenon, Inc); PubMed 32808743 (cited by Genomenon, Inc); PubMed 28425419 (cited by 4 submitters); PubMed 5780807 (cited by Natera, Inc.); PubMed 20683201 (cited by Natera, Inc. and Women's Health and Genetics/Laboratory Corporation of America, LabCorp); PubMed 16641580 (cited by Labcorp Genetics (formerly Invitae), Labcorp); PubMed 18395098 (cited by Labcorp Genetics (formerly Invitae), Labcorp); PubMed 27114171 (cited by Labcorp Genetics (formerly Invitae), Labcorp); PubMed 28733223 (cited by Labcorp Genetics (formerly Invitae), Labcorp); PubMed 34016879 (cited by Women's Health and Genetics/Laboratory Corporation of America, LabCorp); PubMed 33915153 (cited by Women's Health and Genetics/Laboratory Corporation of America, LabCorp).

NM_003742.4(ABCB11):c.2495G>A (p.Arg832His)

Gene: ABCB11 (ATP binding cassette subfamily B member 11; minus strand). Cytogenetic location: 2q31.1.
Variant type: single nucleotide variant.
Coding change: c.2495G>A on transcript NM_003742.4 (MANE Select); coding-DNA position 2495, G replaced by A.
Protein change: p.Arg832His; replaces arginine 832 with histidine.
Molecular consequence: missense variant.
Genome position (GRCh38, 1-based): chr2:168,944,720, C>T on the plus strand (G>A on the coding strand, the complement: ABCB11 is on the minus strand). VCF-style: chr2-168944720-C-T. GRCh37 (hg19) VCF-style: chr2-169801230-C-T.
Other names: NM_003742.4(ABCB11):c.2495G>A; p.Arg832His; c.2495G>A (NM_003742.2); c.2495G>A, p.Arg832His (LRG_1199t1); short protein forms R832H.
Identifiers: ClinVar variation 499070 (VCV000499070.21), dbSNP rs376255350, ClinGen allele CA59880798.